The following is an entry in ClinVar:

NM_025074.7(FRAS1):c.3152-2A>G

Gene: FRAS1 (Fraser extracellular matrix complex subunit 1; plus strand). Cytogenetic location: 4q21.21.
Variant type: single nucleotide variant.
Coding change: c.3152-2A>G on transcript NM_025074.7 (MANE Select); the canonical splice acceptor site of the intron before coding-DNA position 3152, A replaced by G.
Molecular consequence: splice acceptor variant.
Genome position (GRCh38, 1-based): chr4:78,375,737, A>G. VCF-style: chr4-78375737-A-G. GRCh37 (hg19) VCF-style: chr4-79296891-A-G.
Other names: c.3152-2A>G (NM_001166133.2).
Identifiers: ClinVar variation 2444369 (VCV002444369.5), dbSNP rs1226253305, ClinGen allele CA357374897.

ClinVar aggregate classification (germline): Likely pathogenic. Review status: criteria provided, multiple submitters, no conflicts (2 of 4 stars). 2 submissions from 2 submitters: Likely pathogenic (2). Last evaluated 2023-08-23.

Conditions:
Fraser syndrome 1 (FRASRS1). Also called: CRYPTOPHTHALMOS WITH OTHER MALFORMATIONS. Identifiers: Orphanet 2052, MedGen C4551480, MONDO:0054737, OMIM 219000.

Allele frequency attached by ClinVar (database versions not stated): TOPMed 0.00001.

Submissions (2):

Labcorp Genetics (formerly Invitae), Labcorp
Classification: Likely pathogenic. Last evaluated: 2023-08-23. Review status: criteria provided, single submitter. Criteria: Invitae Variant Classification Sherloc (09022015). Collection method: clinical testing. Allele origin: germline.
Comment: In summary, the currently available evidence indicates that the variant is pathogenic, but additional data are needed to prove that conclusively. Therefore, this variant has been classified as Likely Pathogenic. Algorithms developed to predict the effect of sequence changes on RNA splicing suggest that this variant may disrupt the consensus splice site. ClinVar contains an entry for this variant (Variation ID: 2444369). This variant has not been reported in the literature in individuals affected with FRAS1-related conditions. This variant is not present in population databases (gnomAD no frequency). This sequence change affects an acceptor splice site in intron 25 of the FRAS1 gene. It is expected to disrupt RNA splicing. Variants that disrupt the donor or acceptor splice site typically lead to a loss of protein function (PMID: 16199547), and loss-of-function variants in FRAS1 are known to be pathogenic (PMID: 12766769, 18671281).

3billion
Classification: Likely pathogenic for Fraser syndrome 1. Last evaluated: 2023-02-23. Review status: criteria provided, single submitter. Criteria: ACMG Guidelines, 2015. Collection method: clinical testing. Allele origin: unknown. Affected: yes.
Comment: The variant is not observed in the gnomAD v2.1.1 dataset. This variant was predicted to alter splicing and result in a loss or disruption of normal protein function. Multiple pathogenic loss-of-function variants are reported downstream of the variant. Therefore, this variant is classified as Likely pathogenic according to the recommendation of ACMG/AMP guideline.

Literature cited by the submitters: PubMed 16199547 (cited by Labcorp Genetics (formerly Invitae), Labcorp); PubMed 12766769 (cited by Labcorp Genetics (formerly Invitae), Labcorp); PubMed 18671281 (cited by Labcorp Genetics (formerly Invitae), Labcorp).